The following is an entry in ClinVar:

ClinVar aggregate classification (germline): Uncertain significance. Review status: criteria provided, multiple submitters, no conflicts (2 of 4 stars). 2 submissions from 2 submitters: Uncertain significance (2). Last evaluated 2025-09-25.

Conditions:
Tuberous sclerosis 2 (TSC2). Identifiers: Orphanet 805, MedGen C1860707, MONDO:0013199, OMIM 613254.
Hereditary cancer-predisposing syndrome. Also called: Tumor predisposition; Hereditary neoplastic syndrome; Neoplastic Syndromes, Hereditary; Hereditary Cancer Syndrome. Identifiers: Orphanet 140162, MedGen C0027672, MeSH D009386, MONDO:0015356.

Submissions (2):

Labcorp Genetics (formerly Invitae), Labcorp
Classification: Uncertain significance for Tuberous sclerosis 2. Last evaluated: 2025-09-25. Review status: criteria provided, single submitter. Criteria: Invitae Variant Classification Sherloc (09022015). Collection method: clinical testing. Allele origin: germline.
Comment: This sequence change replaces methionine, which is neutral and non-polar, with valine, which is neutral and non-polar, at codon 1615 of the TSC2 protein (p.Met1615Val). This variant is not present in population databases (gnomAD no frequency). This variant has not been reported in the literature in individuals affected with TSC2-related conditions. ClinVar contains an entry for this variant (Variation ID: 2497447). Invitae Evidence Modeling of protein sequence and biophysical properties (such as structural, functional, and spatial information, amino acid conservation, physicochemical variation, residue mobility, and thermodynamic stability) indicates that this missense variant is not expected to disrupt TSC2 protein function with a negative predictive value of 95%. In summary, the available evidence is currently insufficient to determine the role of this variant in disease. Therefore, it has been classified as a Variant of Uncertain Significance.

Ambry Genetics
Classification: Uncertain significance for Hereditary cancer-predisposing syndrome. Last evaluated: 2025-05-17. Review status: criteria provided, single submitter. Criteria: Ambry Variant Classification Scheme 2023. Collection method: clinical testing. Allele origin: germline.
Comment: The p.M1615V variant (also known as c.4843A>G), located in coding exon 36 of the TSC2 gene, results from an A to G substitution at nucleotide position 4843. The methionine at codon 1615 is replaced by valine, an amino acid with highly similar properties. This amino acid position is conserved. In addition, this alteration is predicted to be deleterious by in silico analysis. Since supporting evidence is limited at this time, the clinical significance of this alteration remains unclear.

NM_000548.5(TSC2):c.4843A>G (p.Met1615Val)

Gene: TSC2 (TSC complex subunit 2; plus strand). Cytogenetic location: 16p13.3.
Variant type: single nucleotide variant.
Coding change: c.4843A>G on transcript NM_000548.5 (MANE Select); coding-DNA position 4843, A replaced by G.
Protein change: p.Met1615Val; replaces methionine 1615 with valine.
Molecular consequence: missense variant. On other transcripts: non-coding transcript variant (5).
Genome position (GRCh38, 1-based): chr16:2,086,373, A>G. VCF-style: chr16-2086373-A-G. GRCh37 (hg19) VCF-style: chr16-2136374-A-G.
Other names: c.4642A>G, p.Met1548Val (NM_001077183.3); c.4774A>G, p.Met1592Val (NM_001114382.3); c.4534A>G, p.Met1512Val (NM_001318827.2); c.4498A>G, p.Met1500Val (NM_001318829.2); c.4111A>G, p.Met1371Val (NM_001318831.2); c.4675A>G, p.Met1559Val (NM_001318832.2); c.4645A>G, p.Met1549Val (NM_001363528.2); c.4711A>G, p.Met1571Val (NM_001370404.1); and 26 more; short protein forms M1014V, M1101V, M1349V, M1391V, M1392V, M1500V, M1543V, M1545V.
Identifiers: ClinVar variation 2497447 (VCV002497447.5), dbSNP rs752798361, ClinGen allele CA394308148.